The following is an entry in ClinVar:

NM_052876.4(NACC1):c.446A>G (p.Gln149Arg)

Gene: NACC1 (nucleus accumbens associated 1; plus strand). Cytogenetic location: 19p13.13.
Variant type: single nucleotide variant.
Coding change: c.446A>G on transcript NM_052876.4 (MANE Select); coding-DNA position 446, A replaced by G.
Protein change: p.Gln149Arg; replaces glutamine 149 with arginine.
Molecular consequence: missense variant.
Genome position (GRCh38, 1-based): chr19:13,135,653, A>G. VCF-style: chr19-13135653-A-G. GRCh37 (hg19) VCF-style: chr19-13246467-A-G.
Other names: short protein forms Q149R.
Identifiers: ClinVar variation 3384459 (VCV003384459.2).

ClinVar aggregate classification (germline): Uncertain significance (1 of 4 stars; one submission).

gnomAD v4.1: 1 of 1,561,778 alleles (0.000064%); highest among the groups gnomAD compares: Non-Finnish European, 0.000086%; no homozygotes.

Submission:

GeneDx
Classification: Uncertain significance. Last evaluated: 2025-10-27. Review status: criteria provided, single submitter. Criteria: GeneDx Variant Classification Process June 2021. Collection method: clinical testing. Allele origin: germline.
Comment: Not observed at significant frequency in large population cohorts (gnomAD); In silico analysis indicates that this missense variant does not alter protein structure/function; Has not been previously published as pathogenic or benign to our knowledge